The following is an entry in ClinVar:

ClinVar aggregate classification (germline): Uncertain significance. Review status: criteria provided, multiple submitters, no conflicts (2 of 4 stars). 2 submissions from 2 submitters: Uncertain significance (2). Last evaluated 2025-01-22.

Conditions:
BARD1-related cancer predisposition. Identifiers: MedGen CN377756, MONDO:0700267.
Familial cancer of breast. Also called: Hereditary breast cancer; BREAST CANCER, FAMILIAL; hereditary breast carcinoma. Identifiers: Orphanet 227535, MedGen C0346153, MONDO:0016419, OMIM 114480. Disease mechanism: loss of function.

Submissions (2):

Department of Pathology and Laboratory Medicine, Sinai Health System
Classification: Uncertain significance for BARD1-related cancer predisposition. Last evaluated: 2025-01-22. Review status: criteria provided, single submitter. Criteria: ACMG Guidelines, 2015. Collection method: clinical testing. Allele origin: germline.

Labcorp Genetics (formerly Invitae), Labcorp
Classification: Uncertain significance for Familial cancer of breast. Last evaluated: 2025-01-12. Review status: criteria provided, single submitter. Criteria: Invitae Variant Classification Sherloc (09022015). Collection method: clinical testing. Allele origin: germline.
Comment: This sequence change replaces arginine, which is basic and polar, with serine, which is neutral and polar, at codon 661 of the BARD1 protein (p.Arg661Ser). This variant is not present in population databases (gnomAD no frequency). This variant has not been reported in the literature in individuals affected with BARD1-related conditions. ClinVar contains an entry for this variant (Variation ID: 1943940). An algorithm developed to predict the effect of missense changes on protein structure and function (PolyPhen-2) suggests that this variant is likely to be disruptive. In summary, the available evidence is currently insufficient to determine the role of this variant in disease. Therefore, it has been classified as a Variant of Uncertain Significance.

NM_000465.4(BARD1):c.1983G>T (p.Arg661Ser)

Gene: BARD1 (BRCA1 associated RING domain 1; minus strand). Cytogenetic location: 2q35.
Variant type: single nucleotide variant.
Coding change: c.1983G>T on transcript NM_000465.4 (MANE Select); coding-DNA position 1983, G replaced by T.
Protein change: p.Arg661Ser; replaces arginine 661 with serine.
Molecular consequence: missense variant. On other transcripts: non-coding transcript variant (3).
Genome position (GRCh38, 1-based): chr2:214,730,429, C>A on the plus strand (G>T on the coding strand, the complement: BARD1 is on the minus strand). VCF-style: chr2-214730429-C-A. GRCh37 (hg19) VCF-style: chr2-215595153-C-A.
Other names: c.1926G>T, p.Arg642Ser (NM_001282543.2); c.630G>T, p.Arg210Ser (NM_001282545.2); c.573G>T, p.Arg191Ser (NM_001282548.2); c.444G>T, p.Arg148Ser (NM_001282549.2); short protein forms R642S, R661S, R148S, R191S, R210S.
Identifiers: ClinVar variation 1943940 (VCV001943940.6), dbSNP rs1553612481, ClinGen allele CA350451117.